The following is an entry in ClinVar:

ClinVar aggregate classification (germline): Pathogenic (1 of 4 stars; one submission).

Conditions:
Anauxetic dysplasia. Identifiers: Orphanet 93347, MedGen C1846796, MONDO:0011773.

Submission:

Labcorp Genetics (formerly Invitae), Labcorp
Classification: Pathogenic for Anauxetic dysplasia. Last evaluated: 2023-09-03. Review status: criteria provided, single submitter. Criteria: Invitae Variant Classification Sherloc (09022015). Collection method: clinical testing. Allele origin: germline.
Comment: This variant occurs in the RMRP gene, which encodes an RNA molecule that does not result in a protein product. This variant is not present in population databases (gnomAD no frequency). While this particular variant has not been reported in the literature, it is located in the promoter region between the TATA box and the transcription initiation site, and other insertions and duplications immediately upstream of the coding sequence have been reported in individuals affected with cartilage-hair hypoplasia-anauxetic dysplasia (CHH-AD) spectrum disorders (PMID: 16244706, 11207361, 12107819). While functional studies for this variant have not been reported, experimental analyses using patient derived cells, as well as in vitro transfection studies, have shown that promoter insertions result in silencing of RMRP transcription and reduced expression of the gene product (PMID: 11207361, 16254002). For these reasons, this variant has been classified as Pathogenic.

Literature cited by the submitters: PubMed 16244706; PubMed 11207361; PubMed 12107819; PubMed 16254002.

NC_000009.12:g.35658022_35658023insTCTCAGCTTCACGT

Gene: RMRP (RNA component of mitochondrial RNA processing endoribonuclease; minus strand). Cytogenetic location: 9p13.3.
Variant type: Insertion.
Genome position: GRCh38 VCF-style: chr9-35658017-C-CCACGTTCTCAGCTT. GRCh37 (hg19) VCF-style: chr9-35658014-C-CCACGTTCTCAGCTT.
Identifiers: ClinVar variation 3018865 (VCV003018865.3), dbSNP rs1554651368, ClinGen allele CA1846127673.